The following is an entry in ClinVar:

NM_001378030.1(CCDC78):c.505G>C (p.Val169Leu)

Gene: CCDC78 (coiled-coil domain containing 78; minus strand). Cytogenetic location: 16p13.3.
Variant type: single nucleotide variant.
Coding change: c.505G>C on transcript NM_001378030.1 (MANE Select); coding-DNA position 505, G replaced by C.
Protein change: p.Val169Leu; replaces valine 169 with leucine.
Molecular consequence: missense variant. On other transcripts: non-coding transcript variant (5).
Genome position (GRCh38, 1-based): chr16:725,133, C>G on the plus strand (G>C on the coding strand, the complement: CCDC78 is on the minus strand). VCF-style: chr16-725133-C-G. GRCh37 (hg19) VCF-style: chr16-775133-C-G.
Other names: c.505G>C, p.Val169Leu (NM_001031737.3, NM_001378031.1); c.143G>C, p.Ser48Thr (NM_001378033.1); short protein forms S48T, V169L.
Identifiers: ClinVar variation 4809217 (VCV004809217.1).

ClinVar aggregate classification (germline): Uncertain significance (1 of 4 stars; one submission).

Conditions:
Congenital myopathy with internal nuclei and atypical cores. Also called: Myopathy, centronuclear, 4. Identifiers: Orphanet 319160, MedGen C4707232, MONDO:0013890, OMIM 614807.

gnomAD v4.1: 7 of 1,612,716 alleles (0.00043%); highest among the groups gnomAD compares: Non-Finnish European, 0.00059%; no homozygotes.

Submission:

Labcorp Genetics (formerly Invitae), Labcorp
Classification: Uncertain significance for Congenital myopathy with internal nuclei and atypical cores. Last evaluated: 2025-12-23. Review status: criteria provided, single submitter. Criteria: Invitae Variant Classification Sherloc (09022015). Collection method: clinical testing. Allele origin: germline.
Comment: This sequence change replaces valine, which is neutral and non-polar, with leucine, which is neutral and non-polar, at codon 169 of the CCDC78 protein (p.Val169Leu). This variant is present in population databases (rs757720726, gnomAD 0.002%). This variant has not been reported in the literature in individuals affected with CCDC78-related conditions. Invitae Evidence Modeling of protein sequence and biophysical properties (such as structural, functional, and spatial information, amino acid conservation, physicochemical variation, residue mobility, and thermodynamic stability) indicates that this missense variant is not expected to disrupt CCDC78 protein function with a negative predictive value of 80%. In summary, the available evidence is currently insufficient to determine the role of this variant in disease. Therefore, it has been classified as a Variant of Uncertain Significance.